The following is an entry in ClinVar:

NM_005633.4(SOS1):c.2516T>C (p.Ile839Thr)

Gene: SOS1 (SOS Ras/Rac guanine nucleotide exchange factor 1; minus strand). Cytogenetic location: 2p22.1.
Variant type: single nucleotide variant.
Coding change: c.2516T>C on transcript NM_005633.4 (MANE Select); coding-DNA position 2516, T replaced by C.
Protein change: p.Ile839Thr; replaces isoleucine 839 with threonine.
Molecular consequence: missense variant.
Genome position (GRCh38, 1-based): chr2:39,007,188, A>G on the plus strand (T>C on the coding strand, the complement: SOS1 is on the minus strand). VCF-style: chr2-39007188-A-G. GRCh37 (hg19) VCF-style: chr2-39234329-A-G.
Other names: c.2495T>C, p.Ile832Thr (NM_001382394.1); c.2516T>C, p.Ile839Thr (NM_001382395.1); short protein forms I832T, I839T.
Identifiers: ClinVar variation 3019474 (VCV003019474.4), dbSNP rs2528969509, ClinGen allele CA346363663.

ClinVar aggregate classification (germline): Uncertain significance. Review status: criteria provided, multiple submitters, no conflicts (2 of 4 stars). 2 submissions from 2 submitters: Uncertain significance (2). Last evaluated 2023-10-24.

Conditions:
RASopathy. Also called: rasopathies; Noonan spectrum disorder. Identifiers: Orphanet 536391, MedGen C5555857, MONDO:0021060.

Allele frequency attached by ClinVar (database versions not stated): gnomAD exomes below 0.00001.
gnomAD v4.1: 3 of 1,584,390 alleles (0.00019%); highest among the groups gnomAD compares: Non-Finnish European, 0.00026%; no homozygotes.

Submissions (2):

Labcorp Genetics (formerly Invitae), Labcorp
Classification: Uncertain significance for RASopathy. Last evaluated: 2023-10-24. Review status: criteria provided, single submitter. Criteria: Invitae Variant Classification Sherloc (09022015). Collection method: clinical testing. Allele origin: germline.
Comment: This sequence change replaces isoleucine, which is neutral and non-polar, with threonine, which is neutral and polar, at codon 839 of the SOS1 protein (p.Ile839Thr). This variant is not present in population databases (gnomAD no frequency). This variant has not been reported in the literature in individuals affected with SOS1-related conditions. Advanced modeling of protein sequence and biophysical properties (such as structural, functional, and spatial information, amino acid conservation, physicochemical variation, residue mobility, and thermodynamic stability) performed at Invitae indicates that this missense variant is expected to disrupt SOS1 protein function with a positive predictive value of 95%. In summary, the available evidence is currently insufficient to determine the role of this variant in disease. Therefore, it has been classified as a Variant of Uncertain Significance.

Blueprint Genetics
Classification: Uncertain significance. Last evaluated: 2023-08-01. Review status: criteria provided, single submitter. Criteria: ACMG Guidelines, 2015. Collection method: clinical testing. Allele origin: germline.